The following is an entry in ClinVar:

NM_000371.4(TTR):c.14G>A (p.Arg5His)

Gene: TTR (transthyretin; plus strand). Cytogenetic location: 18q12.1.
Variant type: single nucleotide variant.
Coding change: c.14G>A on transcript NM_000371.4 (MANE Select); coding-DNA position 14, G replaced by A.
Protein change: p.Arg5His; replaces arginine 5 with histidine.
Molecular consequence: missense variant.
Genome position (GRCh38, 1-based): chr18:31,591,916, G>A. VCF-style: chr18-31591916-G-A. GRCh37 (hg19) VCF-style: chr18-29171879-G-A.
Other names: p.R5H:CGT>CAT; short protein forms R5H.
Identifiers: ClinVar variation 181697 (VCV000181697.86), dbSNP rs138657343, ClinGen allele CA297526.

ClinVar aggregate classification (germline): Conflicting classifications of pathogenicity. Review status: criteria provided, conflicting classifications (1 of 4 stars). 21 submissions from 21 submitters: Uncertain significance (9); Likely benign (6). 6 of the submissions do not count toward it. Last evaluated 2026-09-22.

Conditions:
TTR-related disorder. Also called: TTR-related condition; TTR-related disorders.
Amyloidosis, hereditary systemic 1 (AMYLD1). Also called: Hereditary Transthyretin Amyloidosis; Isolated Cardiac Amyloidosis; Amyloid Cardiomyopathy, Transthyretin-related; Hereditary oculoleptomeningeal amyloid angiopathy; Familial Transthyretin Amyloidosis; AMYLOID CARDIOMYOPATHY. Identifiers: Orphanet 85447, Orphanet 85451, MedGen C2751492, MONDO:0971004, OMIM 105210.
Hyperthyroxinemia, dystransthyretinemic. Also called: HYPERTHYROXINEMIA, DYSPREALBUMINEMIC; EUTHRYROIDAL HYPERTHYROXINEMIA 2. Identifiers: MedGen C2750824, MONDO:0007785, OMIM 145680.
Carpal tunnel syndrome 1 (CTS1). Also called: Carpal tunnel syndrome, familial. Identifiers: MedGen C5779776, MONDO:0020730, OMIM 115430.
Cardiovascular phenotype. Identifiers: MedGen CN230736.
Charcot-Marie-Tooth disease. Also called: Charcot-Marie-Tooth Hereditary Neuropathy; Charcot-Marie-Tooth Neuropathy. Identifiers: Orphanet 166, MedGen C0007959, MONDO:0015626.
Cardiomyopathy (CMYO). Also called: Cardiomyopathies. Identifiers: Orphanet 167848, MedGen C0878544, MONDO:0004994, HP:0001638. Inheritance: Various modes of inheritance.

Allele frequency attached by ClinVar (database versions not stated): TOPMed 0.00009; ExAC 0.00011; gnomAD exomes 0.00011; 1000 Genomes Project 30x 0.00016; gnomAD 0.00017 and 0.00018; 1000 Genomes Project 0.00020; ESP Exome Variant Server 0.00023.
gnomAD v4.1: 227 of 1,614,140 alleles (0.014%); highest among the groups gnomAD compares: Non-Finnish European, 0.015%; 1 homozygote.

Submissions 1 to 15 of 21:

PreventionGenetics, part of Exact Sciences
Classification: Uncertain significance for TTR-related condition. Last evaluated: 2026-09-22. Review status: criteria provided, single submitter. Criteria: ACMG Guidelines, 2015. Collection method: clinical testing. Allele origin: germline.
Comment: The TTR c.14G>A variant is predicted to result in the amino acid substitution p.Arg5His. This variant was reported in an individual with hypertrophic cardiomyopathy (Table S3, Viswanathan et al. 2017. PubMed ID: 29121657) and in an individual with hereditary amyloidosis (Auer-Grumbach et al. 2020. PubMed ID: 32674397). This variant is reported in 0.032% of alleles in individuals of European (Finnish) descent in gnomAD, including one homozygote. At this time, the clinical significance of this variant is uncertain due to the absence of conclusive functional and genetic evidence.

Women's Health and Genetics/Laboratory Corporation of America, LabCorp
Classification: Likely benign. Last evaluated: 2026-03-06. Review status: criteria provided, single submitter. Criteria: LabCorp Variant Classification Summary - May 2015. Collection method: clinical testing. Allele origin: germline.
Comment: Variant summary: TTR c.14G>A (p.Arg5His) results in a non-conservative amino acid change in the encoded protein sequence. Algorithms developed to predict the effect of missense changes on protein structure and function are either unavailable or do not agree on the potential impact of this missense change. The variant allele was found at a frequency of 0.00011 in 251406 control chromosomes. The observed variant frequency exceeds the estimated maximal expected allele frequency for disease-causing variants in TTR. c.14G>A has been observed in individual(s) affected with Amyloidosis, Hypertrophic cardiomyopathy and Cardiomyopathy (Viswanathan_2017, Auer-Grumbach_2020, Horgan_2025). These report(s) do not provide unequivocal conclusions about association of the variant with Transthyretin Amyloidosis. To our knowledge, no experimental evidence demonstrating an impact on protein function has been reported. The following publications have been ascertained in the context of this evaluation (PMID: 32674397, 39694818, 29121657). ClinVar contains an entry for this variant (Variation ID: 181697). Based on the evidence outlined above, the variant was classified as likely benign.

Labcorp Genetics (formerly Invitae), Labcorp
Classification: Uncertain significance for Amyloidosis, hereditary systemic 1. Last evaluated: 2026-01-27. Review status: criteria provided, single submitter. Criteria: Invitae Variant Classification Sherloc (09022015). Collection method: clinical testing. Allele origin: germline.
Comment: This sequence change replaces arginine, which is basic and polar, with histidine, which is basic and polar, at codon 5 of the TTR protein (p.Arg5His). This variant is present in population databases (rs138657343, gnomAD 0.03%). This missense change has been observed in individual(s) with clinical features of TTR-related conditions (PMID: 29121657, 32674397). ClinVar contains an entry for this variant (Variation ID: 181697). An algorithm developed to predict the effect of missense changes on protein structure and function outputs the following: PolyPhen-2: "Benign". The histidine amino acid residue is found in multiple mammalian species, which suggests that this missense change does not adversely affect protein function. In summary, the available evidence is currently insufficient to determine the role of this variant in disease. Therefore, it has been classified as a Variant of Uncertain Significance.

Blueprint Genetics
Classification: Likely benign. Last evaluated: 2024-11-21. Review status: criteria provided, single submitter. Criteria: ACMG Guidelines, 2015. Collection method: clinical testing. Allele origin: germline.

Fulgent Genetics
Classification: Uncertain significance for Amyloidosis, hereditary systemic 1; Carpal tunnel syndrome 1; Hyperthyroxinemia, dystransthyretinemic. Last evaluated: 2024-03-04. Review status: criteria provided, single submitter. Criteria: ACMG Guidelines, 2015. Collection method: clinical testing. Allele origin: germline.

ARUP Laboratories, Molecular Genetics and Genomics, ARUP Laboratories
Classification: Uncertain significance. Last evaluated: 2023-11-14. Review status: criteria provided, single submitter. Criteria: ARUP Molecular Germline Variant Investigation Process 2024. Collection method: clinical testing. Allele origin: germline.
Comment: The TTR c.14G>A; p.Arg5His variant (rs138657343) is reported in the literature in an individual affected with hereditary transthyretin amyloidosis (Auer-Grumbach 2020) as well as in an individual with hypertrophic cardiomyopathy (Viswanathan 2017). This variant is also reported in ClinVar (Variation ID: 181697). It is found in the general population with an overall allele frequency of 0.013% (36/282806 alleles, including 1 homozygote) in the Genome Aggregation Database (v2.1.1). Computational analyses are uncertain whether this variant is neutral or deleterious (REVEL: 0.268). However, given the lack of clinical and functional data, the significance of the p.Arg5His variant is uncertain at this time. References: Auer-Grumbach M et al. Hereditary ATTR Amyloidosis in Austria: Prevalence and Epidemiological Hot Spots. J Clin Med. 2020 Jul 14;9(7):2234. PMID: 32674397. Viswanathan SK et al. Hypertrophic cardiomyopathy clinical phenotype is independent of gene mutation and mutation dosage. PLoS One. 2017 Nov 9;12(11):e0187948. PMID: 29121657.

GeneDx
Classification: Uncertain significance. Last evaluated: 2023-08-21. Review status: criteria provided, single submitter. Criteria: GeneDx Variant Classification Process June 2021. Collection method: clinical testing. Allele origin: germline. Affected: yes.
Comment: Reported in an individual with HCM who also harbored a variant in the MYBPC3 gene in published literature (Viswanathan et al., 2017); however, no segregation studies were described; In silico analysis supports that this missense variant does not alter protein structure/function; This variant is associated with the following publications: (PMID: 27249223, 31659433, 29121657, 32674397)

Mayo Clinic Laboratories, Mayo Clinic
Classification: Uncertain significance. Last evaluated: 2023-04-26. Review status: criteria provided, single submitter. Criteria: ACMG Guidelines, 2015. Collection method: clinical testing. Allele origin: germline. Observed: 1 variant allele.

Ambry Genetics
Classification: Likely benign for Cardiovascular phenotype. Last evaluated: 2023-04-19. Review status: criteria provided, single submitter. Criteria: Ambry Variant Classification Scheme 2023. Collection method: clinical testing. Allele origin: germline.

CHEO Genetics Diagnostic Laboratory, Children's Hospital of Eastern Ontario
Classification: Uncertain significance for Cardiomyopathy. Last evaluated: 2023-03-21. Review status: criteria provided, single submitter. Criteria: ACMG Guidelines, 2015. Collection method: clinical testing. Allele origin: germline.

Revvity Omics, Revvity
Classification: Uncertain significance. Last evaluated: 2019-10-09. Review status: criteria provided, single submitter. Criteria: ACMG Guidelines, 2015. Collection method: clinical testing. Allele origin: germline.

CeGaT Center for Human Genetics Tuebingen
Classification: Likely benign. Last evaluated: 2019-03-01. Review status: criteria provided, single submitter. Criteria: CeGaT Center For Human Genetics Tuebingen Variant Classification Criteria Version 2. Collection method: clinical testing. Allele origin: germline. Affected: yes. Observed: 3 variant alleles.

Laboratory for Molecular Medicine, Mass General Brigham Personalized Medicine
Classification: Likely benign. Last evaluated: 2017-08-23. Review status: criteria provided, single submitter. Criteria: LMM Criteria. Collection method: clinical testing. Allele origin: germline. Observed: 1 variant allele.
Comment: p.Arg5His in exon 1 of TTR: This variant is not expected to have clinical signif icance due to a lack of conservation across species, including mammals. Of note, >15 mammals, including chimpanzee, have a histidine (His) at this position. Thi s variant has been identified in 21/126636 European chromosomes, including 1 hom ozygote, by the Genome Aggregation Database (gnomAD; dbSNP rs138657343).

Illumina Laboratory Services, Illumina
Classification: Uncertain significance for Amyloidosis, hereditary systemic 1. Last evaluated: 2017-04-27. Review status: criteria provided, single submitter. Criteria: ICSL Variant Classification Criteria 13 December 2019. Collection method: clinical testing. Allele origin: germline.

Molecular Genetics Laboratory, London Health Sciences Centre
Classification: Likely benign for Charcot-Marie-Tooth disease. Review status: criteria provided, single submitter. Criteria: ACMG Guidelines, 2015. Collection method: clinical testing. Allele origin: germline. Affected: yes.